The following is an entry in ClinVar:

NM_003482.4(KMT2D):c.1753C>T (p.Pro585Ser)

Gene: KMT2D (lysine methyltransferase 2D; minus strand). Cytogenetic location: 12q13.12.
Variant type: single nucleotide variant.
Coding change: c.1753C>T on transcript NM_003482.4 (MANE Select); coding-DNA position 1753, C replaced by T.
Protein change: p.Pro585Ser; replaces proline 585 with serine.
Molecular consequence: missense variant.
Genome position (GRCh38, 1-based): chr12:49,051,930, G>A on the plus strand (C>T on the coding strand, the complement: KMT2D is on the minus strand). VCF-style: chr12-49051930-G-A. GRCh37 (hg19) VCF-style: chr12-49445713-G-A.
Other names: short protein forms P585S.
Identifiers: ClinVar variation 2664904 (VCV002664904.1), dbSNP rs1938074018, ClinGen allele CA384673238.

ClinVar aggregate classification (germline): Uncertain significance (1 of 4 stars; one submission).

Conditions:
Kabuki syndrome 1 (KABUK1). Also called: KMT2D-Related Kabuki Syndrome. Identifiers: Orphanet 2322, MedGen CN030661, MONDO:0007843, OMIM 147920.

Submission:

Neuberg Centre For Genomic Medicine, NCGM
Classification: Uncertain significance for Kabuki syndrome 1. Last evaluated: 2023-02-14. Review status: criteria provided, single submitter. Criteria: ACMG Guidelines, 2015. Collection method: clinical testing. Allele origin: germline. Inheritance: Autosomal dominant inheritance. Affected: yes.
Comment: The missense c.1753C>T(p.Pro585Ser) variant in KMT2D gene has not been reported previously as a pathogenic variant nor a benign variant, to our knowledge. The p.Pro585Ser variant is novel (not in any individuals) in both gnomAD Exomes and 1000 Genomes databases. This variant has not been reported to the ClinVar database. The amino acid change p.Pro585Ser in KMT2D is predicted as conserved by GERP++ and PhyloP across 100 vertebrates. The amino acid Pro at position 585 is changed to a Ser changing protein sequence and it might alter its composition and physico-chemical properties. For these reasons, this variant has been classified as a Variant of Uncertain Significance (VUS).